The following is an entry in ClinVar:

ClinVar aggregate classification (germline): Uncertain significance (1 of 4 stars; one submission).

Submission:

CeGaT Center for Human Genetics Tuebingen
Classification: Uncertain significance. Last evaluated: 2023-11-01. Review status: criteria provided, single submitter. Criteria: CeGaT Center For Human Genetics Tuebingen Variant Classification Criteria Version 2. Collection method: clinical testing. Allele origin: germline. Affected: yes. Observed: 1 variant allele.
Comment: AKAP4: PM2, BP4

NM_003886.3(AKAP4):c.264A>T (p.Lys88Asn)

Gene: AKAP4 (A-kinase anchoring protein 4; minus strand). Cytogenetic location: Xp11.22.
Variant type: single nucleotide variant.
Coding change: c.264A>T on transcript NM_003886.3 (MANE Select); coding-DNA position 264, A replaced by T.
Protein change: p.Lys88Asn; replaces lysine 88 with asparagine.
Molecular consequence: missense variant.
Genome position (GRCh38, 1-based): chrX:50,196,903, T>A on the plus strand (A>T on the coding strand, the complement: AKAP4 is on the minus strand). VCF-style: chrX-50196903-T-A. GRCh37 (hg19) VCF-style: chrX-49961554-T-A.
Other names: c.237A>T, p.Lys79Asn (NM_139289.2); short protein forms K79N, K88N.
Identifiers: ClinVar variation 2673232 (VCV002673232.23), dbSNP rs2519497233, ClinGen allele CA413195666.
Genomic context (GRCh38, chrX:50,196,903, plus strand): 5'-TTGAGCTCTGAGAATTAGAAGTGGTGGGATCTCAGAGGTTAAGTGTACCTTAGACTGGTC[T>A]TTCTTCTCAGTGTCCTTGATCACGATAATCTCTTTTTCTTCCAGACTTCCCAGGTTTAAG-3'
Protein context (NP_003877.2, residues 78-98): EIIVIKDTEK[Lys88Asn]DQSKTEGSVC